The following is an entry in ClinVar:

ClinVar aggregate classification (germline): Benign/Likely benign. Review status: criteria provided, multiple submitters, no conflicts (2 of 4 stars). 5 submissions from 5 submitters: Benign (3); Likely benign (2). Last evaluated 2025-11-16.

Conditions:
Tuberous sclerosis 2 (TSC2). Identifiers: Orphanet 805, MedGen C1860707, MONDO:0013199, OMIM 613254.
Tuberous sclerosis syndrome (TSC). Also called: Tuberous Sclerosis Complex; Tuberous sclerosis. Identifiers: Orphanet 805, MedGen C0041341, MONDO:0001734.
Hereditary cancer-predisposing syndrome. Also called: Neoplastic Syndromes, Hereditary; Tumor predisposition; Hereditary Cancer Syndrome; Hereditary neoplastic syndrome. Identifiers: Orphanet 140162, MedGen C0027672, MeSH D009386, MONDO:0015356.

Allele frequency attached by ClinVar (database versions not stated): gnomAD 0.00001; TOPMed 0.00001; gnomAD exomes 0.00002 and 0.00004; ExAC 0.00005.
gnomAD v4.1: 32 of 1,612,894 alleles (0.002%); highest among the groups gnomAD compares: East Asian, 0.058%; no homozygotes.

Submissions (5):

Labcorp Genetics (formerly Invitae), Labcorp
Classification: Likely benign for Tuberous sclerosis 2. Last evaluated: 2025-11-16. Review status: criteria provided, single submitter. Criteria: Invitae Variant Classification Sherloc (09022015). Collection method: clinical testing. Allele origin: germline.

Myriad Genetics, Inc.
Classification: Benign for Tuberous sclerosis 2. Last evaluated: 2025-05-20. Review status: criteria provided, single submitter. Criteria: Myriad Autosomal Dominant, Autosomal Recessive and X-Linked Classification Criteria (2023). Collection method: clinical testing. Allele origin: unknown.
Comment: This variant is considered benign. This variant is a silent/synonymous amino acid change and it is not expected to impact splicing.

All of Us Research Program, National Institutes of Health
Classification: Benign for Tuberous sclerosis syndrome. Last evaluated: 2023-11-30. Review status: criteria provided, single submitter. Criteria: ACMG Guidelines, 2015. Collection method: clinical testing. Allele origin: germline. Inheritance: Autosomal dominant inheritance. Observed: 5 variant alleles, 5 heterozygotes.
Comment: This study involves interpretation of variants in research participants for the purpose of population health screening. Participant phenotype was not available at the time of variant classification. Additional details can be found in publication PMID: 35346344, PMCID: PMC8962531

Color Diagnostics, LLC DBA Color Health
Classification: Benign for Tuberous sclerosis syndrome. Last evaluated: 2022-09-27. Review status: criteria provided, single submitter. Criteria: ACMG Guidelines, 2015. Collection method: clinical testing. Allele origin: germline.

Ambry Genetics
Classification: Likely benign for Hereditary cancer-predisposing syndrome. Last evaluated: 2020-06-24. Review status: criteria provided, single submitter. Criteria: Ambry Variant Classification Scheme 2023. Collection method: clinical testing. Allele origin: germline.

NM_000548.5(TSC2):c.2571C>T (p.Tyr857=)

Gene: TSC2 (TSC complex subunit 2; plus strand). Cytogenetic location: 16p13.3.
Variant type: single nucleotide variant.
Coding change: c.2571C>T on transcript NM_000548.5 (MANE Select); coding-DNA position 2571, C replaced by T.
Protein change: p.Tyr857=; no amino-acid change (tyrosine 857 retained).
Molecular consequence: synonymous variant.
Genome position (GRCh38, 1-based): chr16:2,075,824, C>T. VCF-style: chr16-2075824-C-T. GRCh37 (hg19) VCF-style: chr16-2125825-C-T.
Other names: c.2571C>T, p.Tyr857= (NM_001077183.3, NM_001114382.3, NM_001363528.2 and 3 more transcripts); c.2460C>T, p.Tyr820= (NM_001318827.2); c.2424C>T, p.Tyr808= (NM_001318829.2); c.1971C>T, p.Tyr657= (NM_001318831.2); c.2604C>T, p.Tyr868= (NM_001318832.2).
Identifiers: ClinVar variation 536026 (VCV000536026.18), dbSNP rs774063865, ClinGen allele CA040093.